The following is an entry in ClinVar:

ClinVar aggregate classification (germline): Uncertain significance (1 of 4 stars; one submission).

Conditions:
Cardiovascular phenotype. Identifiers: MedGen CN230736.

Submission:

Ambry Genetics
Classification: Uncertain significance for Cardiovascular phenotype. Last evaluated: 2021-06-28. Review status: criteria provided, single submitter. Criteria: Ambry Variant Classification Scheme 2023. Collection method: clinical testing. Allele origin: germline.
Comment: The c.3229_3240del12 variant (also known as p.D1077_L1080del) is located in coding exon 23 of the MYH7 gene. This variant results from an in-frame GATGAGCGGCTG deletion at nucleotide positions 3229 to 3240. This results in the in-frame deletion of 4 amino acids at codons 1077 to 1080. This variant was identified in one patient with hypertrophic cardiomyopathy (HCM) in a genetic testing cohort, but clinical details were limited (Walsh R et al. Genet Med, 2017 02;19:192-203). This variant is considered to be rare based on population cohorts in the Genome Aggregation Database (gnomAD). This amino acid region is not well conserved in available vertebrate species. In addition, this alteration is predicted to be deleterious by in silico analysis (Choi Y et al. PLoS ONE. 2012; 7(10):e46688). Since supporting evidence is limited at this time, the clinical significance of this alteration remains unclear.

Literature cited by the submitters: PubMed 27532257.

NM_000257.4(MYH7):c.3229_3240del (p.Asp1077_Leu1080del)

Gene: MYH7 (myosin heavy chain 7; minus strand). Cytogenetic location: 14q11.2.
Variant type: Deletion.
Coding change: c.3229_3240del on transcript NM_000257.4 (MANE Select); coding-DNA positions 3229 to 3240, 12 bases deleted (GATGAGCGGCTG).
Protein change: p.Asp1077_Leu1080del.
Molecular consequence: inframe deletion. On other transcripts: inframe indel (1).
Genome position (GRCh38, 1-based): chr14:23,422,185-23,422,196, CAGCCGCTCATC deleted on the plus strand (GATGAGCGGCTG on the coding strand, the reverse complement: MYH7 is on the minus strand); deleting any 12 consecutive bases within chr14:23,422,185-23,422,200 gives the same sequence; the c. name uses the placement nearest the transcript's 3' end. VCF-style (leftmost placement, unchanged base first): chr14-23422184-TCAGCCGCTCATC-T. GRCh37 (hg19) VCF-style: chr14-23891393-TCAGCCGCTCATC-T.
Other names: c.3225_3236delGCTGGATGAGCG, p.Asp1077_Leu1080del (NM_001407004.1); c.3229_3240del12 (NM_000257.4).
Identifiers: ClinVar variation 1729148 (VCV001729148.2), dbSNP rs2502272124, ClinGen allele CA2580088199.